The following is an entry in ClinVar:

ClinVar aggregate classification (germline): Uncertain significance (1 of 4 stars; one submission).

gnomAD v4.1: 30 of 1,613,946 alleles (0.0019%); highest among the groups gnomAD compares: East Asian, 0.0045%; no homozygotes.

Submission:

Labcorp Genetics (formerly Invitae), Labcorp
Classification: Uncertain significance. Last evaluated: 2025-09-23. Review status: criteria provided, single submitter. Criteria: Invitae Variant Classification Sherloc (09022015). Collection method: clinical testing. Allele origin: germline.
Comment: This sequence change replaces serine, which is neutral and polar, with asparagine, which is neutral and polar, at codon 337 of the MYO5B protein (p.Ser337Asn). This variant is present in population databases (no rsID available, gnomAD 0.002%). This variant has not been reported in the literature in individuals affected with MYO5B-related conditions. Invitae Evidence Modeling of protein sequence and biophysical properties (such as structural, functional, and spatial information, amino acid conservation, physicochemical variation, residue mobility, and thermodynamic stability) indicates that this missense variant is not expected to disrupt MYO5B protein function with a negative predictive value of 80%. In summary, the available evidence is currently insufficient to determine the role of this variant in disease. Therefore, it has been classified as a Variant of Uncertain Significance.

NM_001080467.3(MYO5B):c.1010G>A (p.Ser337Asn)

Gene: MYO5B (myosin VB; minus strand). Cytogenetic location: 18q21.1.
Variant type: single nucleotide variant.
Coding change: c.1010G>A on transcript NM_001080467.3 (MANE Select); coding-DNA position 1010, G replaced by A.
Protein change: p.Ser337Asn; replaces serine 337 with asparagine.
Molecular consequence: missense variant.
Genome position (GRCh38, 1-based): chr18:49,980,490, C>T on the plus strand (G>A on the coding strand, the complement: MYO5B is on the minus strand). VCF-style: chr18-49980490-C-T. GRCh37 (hg19) VCF-style: chr18-47506860-C-T.
Other names: short protein forms S337N.
Identifiers: ClinVar variation 4698133 (VCV004698133.1).